The following is an entry in ClinVar:

ClinVar aggregate classification (germline): Uncertain significance (1 of 4 stars; one submission).

Allele frequency attached by ClinVar (database versions not stated): gnomAD 0.00001; TOPMed 0.00001; ExAC 0.00003; ESP Exome Variant Server 0.00008.
gnomAD v4.1: 32 of 1,614,052 alleles (0.002%); highest among the groups gnomAD compares: South Asian, 0.027%; no homozygotes.

Submission:

Labcorp Genetics (formerly Invitae), Labcorp
Classification: Uncertain significance. Last evaluated: 2022-04-07. Review status: criteria provided, single submitter. Criteria: Invitae Variant Classification Sherloc (09022015). Collection method: clinical testing. Allele origin: germline.
Comment: This sequence change replaces arginine, which is basic and polar, with histidine, which is basic and polar, at codon 173 of the OCA2 protein (p.Arg173His). This variant is present in population databases (rs368907318, gnomAD 0.03%). This variant has not been reported in the literature in individuals affected with OCA2-related conditions. Algorithms developed to predict the effect of missense changes on protein structure and function (SIFT, PolyPhen-2, Align-GVGD) all suggest that this variant is likely to be tolerated. In summary, the available evidence is currently insufficient to determine the role of this variant in disease. Therefore, it has been classified as a Variant of Uncertain Significance.

NM_000275.3(OCA2):c.518G>A (p.Arg173His)

Gene: OCA2 (OCA2 melanosomal transmembrane protein; minus strand). Cytogenetic location: 15q13.1.
Variant type: single nucleotide variant.
Coding change: c.518G>A on transcript NM_000275.3 (MANE Select); coding-DNA position 518, G replaced by A.
Protein change: p.Arg173His; replaces arginine 173 with histidine.
Molecular consequence: missense variant.
Genome position (GRCh38, 1-based): chr15:28,024,900, C>T on the plus strand (G>A on the coding strand, the complement: OCA2 is on the minus strand). VCF-style: chr15-28024900-C-T. GRCh37 (hg19) VCF-style: chr15-28270046-C-T.
Other names: c.518G>A, p.Arg173His (NM_001300984.2); short protein forms R173H.
Identifiers: ClinVar variation 1908674 (VCV001908674.2), dbSNP rs368907318, ClinGen allele CA7439452.